The following is an entry in ClinVar:

ClinVar aggregate classification (germline): Conflicting classifications of pathogenicity. Review status: criteria provided, conflicting classifications (1 of 4 stars). 2 submissions from 2 submitters: Pathogenic (1); Uncertain significance (1). Last evaluated 2026-02-01.

Conditions:
Inborn genetic diseases. Identifiers: MedGen C0950123, MeSH D030342.

Submissions (2):

CeGaT Center for Human Genetics Tuebingen
Classification: Pathogenic. Last evaluated: 2026-02-01. Review status: criteria provided, single submitter. Criteria: CeGaT Center For Human Genetics Tuebingen Variant Classification Criteria Version 2. Collection method: clinical testing. Allele origin: germline. Affected: yes. Observed: 1 variant allele.
Comment: DYNC1H1: PVS1, PM2

Ambry Genetics
Classification: Uncertain significance for Inborn genetic diseases. Last evaluated: 2018-09-16. Review status: criteria provided, single submitter. Criteria: Ambry Variant Classification Scheme 2023. Collection method: clinical testing. Allele origin: germline.
Comment: The p.E2484* variant (also known as c.7450G>T), located in coding exon 36 of the DYNC1H1 gene, results from a G to T substitution at nucleotide position 7450. This changes the amino acid from a glutamic acid to a stop codon within coding exon 36. This alteration is expected to result in loss of function by premature protein truncation or nonsense-mediated mRNA decay. However, loss of function of DYNC1H1 has not been clearly established as a mechanism of disease. Since supporting evidence is limited at this time, the clinical significance of this alteration remains unclear.

Literature cited by the submitters: PubMed 29243232 (cited by Ambry Genetics).

NM_001376.5(DYNC1H1):c.7450G>T (p.Glu2484Ter)

Gene: DYNC1H1 (dynein cytoplasmic 1 heavy chain 1; plus strand). Cytogenetic location: 14q32.31.
Variant type: single nucleotide variant.
Coding change: c.7450G>T on transcript NM_001376.5 (MANE Select); coding-DNA position 7450, G replaced by T.
Protein change: p.Glu2484Ter; replaces glutamic acid 2484 with a stop codon.
Molecular consequence: nonsense.
Genome position (GRCh38, 1-based): chr14:102,016,063, G>T. VCF-style: chr14-102016063-G-T. GRCh37 (hg19) VCF-style: chr14-102482400-G-T.
Other names: short protein forms E2484*.
Identifiers: ClinVar variation 1758982 (VCV001758982.6), dbSNP rs200144084, ClinGen allele CA391002152.